The following is an entry in ClinVar:

NM_012213.3(MLYCD):c.1147G>C (p.Glu383Gln)

Gene: MLYCD (malonyl-CoA decarboxylase; plus strand). Cytogenetic location: 16q23.3.
Variant type: single nucleotide variant.
Coding change: c.1147G>C on transcript NM_012213.3 (MANE Select); coding-DNA position 1147, G replaced by C.
Protein change: p.Glu383Gln; replaces glutamic acid 383 with glutamine.
Molecular consequence: missense variant.
Genome position (GRCh38, 1-based): chr16:83,915,154, G>C. VCF-style: chr16-83915154-G-C. GRCh37 (hg19) VCF-style: chr16-83948759-G-C.
Other names: short protein forms E383Q.
Identifiers: ClinVar variation 2157570 (VCV002157570.1), dbSNP rs202210941, ClinGen allele CA8197521.

ClinVar aggregate classification (germline): Uncertain significance (1 of 4 stars; one submission).

Conditions:
Deficiency of malonyl-CoA decarboxylase. Also called: Malonic aciduria; MCD deficiency. Identifiers: Orphanet 943, MedGen C0342793, MONDO:0009556, OMIM 248360.

Allele frequency attached by ClinVar (database versions not stated): 1000 Genomes Project 30x 0.00016; 1000 Genomes Project 0.00020.
gnomAD v4.1: 67 of 1,614,238 alleles (0.0042%); highest among the groups gnomAD compares: Admixed American, 0.01%; no homozygotes.

Submission:

Labcorp Genetics (formerly Invitae), Labcorp
Classification: Uncertain significance for Deficiency of malonyl-CoA decarboxylase. Last evaluated: 2022-07-04. Review status: criteria provided, single submitter. Criteria: Invitae Variant Classification Sherloc (09022015). Collection method: clinical testing. Allele origin: germline.
Comment: This sequence change replaces glutamic acid, which is acidic and polar, with glutamine, which is neutral and polar, at codon 383 of the MLYCD protein (p.Glu383Gln). This variant is present in population databases (rs202210941, gnomAD 0.01%). This variant has not been reported in the literature in individuals affected with MLYCD-related conditions. Algorithms developed to predict the effect of missense changes on protein structure and function are either unavailable or do not agree on the potential impact of this missense change (SIFT: "Deleterious"; PolyPhen-2: "Benign"; Align-GVGD: "Class C25"). In summary, the available evidence is currently insufficient to determine the role of this variant in disease. Therefore, it has been classified as a Variant of Uncertain Significance.